The following is an entry in ClinVar:

ClinVar aggregate classification (germline): Benign/Likely benign. Review status: criteria provided, multiple submitters, no conflicts (2 of 4 stars). 7 submissions from 7 submitters: Benign (5); Likely benign (2). Last evaluated 2026-09-01.

Conditions:
Sotos syndrome (SOTOS). Also called: CHROMOSOME 5q35 DELETION SYNDROME; Sotos' syndrome; SOTOS SYNDROME 1; CEREBRAL GIGANTISM; Distinctive facial appearance, overgrowth in childhood, and learning disabilities or delayed development. Identifiers: Orphanet 821, MedGen C0175695, MONDO:0019349, OMIM 117550.
Inborn genetic diseases. Identifiers: MedGen C0950123, MeSH D030342.

Allele frequency attached by ClinVar (database versions not stated): gnomAD 0.00004 and 0.00036; TOPMed 0.00011; gnomAD exomes 0.00066 and 0.00122; ExAC 0.00132; 1000 Genomes Project 30x 0.00172; 1000 Genomes Project 0.00180.
gnomAD v4.1: 1,035 of 1,613,886 alleles (0.064%); highest among the groups gnomAD compares: South Asian, 0.91%; 21 homozygotes.

Submissions (7):

CeGaT Center for Human Genetics Tuebingen
Classification: Likely benign. Last evaluated: 2026-09-01. Review status: criteria provided, single submitter. Criteria: CeGaT Center For Human Genetics Tuebingen Variant Classification Criteria Version 2. Collection method: clinical testing. Allele origin: germline. Affected: yes. Observed: 27 variant alleles.
Comment: NSD1: BP4, BP7, BS2

Labcorp Genetics (formerly Invitae), Labcorp
Classification: Benign. Last evaluated: 2026-01-19. Review status: criteria provided, single submitter. Criteria: Invitae Variant Classification Sherloc (09022015). Collection method: clinical testing. Allele origin: germline.

Fulgent Genetics
Classification: Benign for Sotos syndrome. Last evaluated: 2021-09-07. Review status: criteria provided, single submitter. Criteria: ACMG Guidelines, 2015. Collection method: clinical testing. Allele origin: unknown.

Genome-Nilou Lab
Classification: Benign for Sotos syndrome. Last evaluated: 2021-07-15. Review status: criteria provided, single submitter. Criteria: ACMG Guidelines, 2015. Collection method: clinical testing. Allele origin: germline. Affected: no.

GeneDx
Classification: Benign. Last evaluated: 2021-06-29. Review status: criteria provided, single submitter. Criteria: GeneDx Variant Classification Process June 2021. Collection method: clinical testing. Allele origin: germline. Affected: yes.

Ambry Genetics
Classification: Likely benign for Inborn genetic diseases. Last evaluated: 2018-06-25. Review status: criteria provided, single submitter. Criteria: Ambry Variant Classification Scheme 2023. Collection method: clinical testing. Allele origin: germline.

PreventionGenetics, part of Exact Sciences
Classification: Benign. Review status: criteria provided, single submitter. Criteria: ACMG Guidelines, 2015. Collection method: clinical testing. Allele origin: germline.

NM_022455.5(NSD1):c.3330C>T (p.Phe1110=)

Gene: NSD1 (nuclear receptor binding SET domain protein 1; plus strand). Cytogenetic location: 5q35.3.
Variant type: single nucleotide variant.
Coding change: c.3330C>T on transcript NM_022455.5 (MANE Select); coding-DNA position 3330, C replaced by T.
Protein change: p.Phe1110=; no amino-acid change (phenylalanine 1110 retained).
Molecular consequence: synonymous variant.
Genome position (GRCh38, 1-based): chr5:177,211,729, C>T. VCF-style: chr5-177211729-C-T. GRCh37 (hg19) VCF-style: chr5-176638730-C-T.
Other names: c.2457C>T, p.Phe819= (NM_001365684.2, NM_001409306.1, NM_001409307.1 and 3 more transcripts); c.3330C>T, p.Phe1110= (NM_001409301.1, NM_001409302.1, NM_001409303.1); c.2910C>T, p.Phe970= (NM_001409304.1); c.2577C>T, p.Phe859= (NM_001409305.1).
Identifiers: ClinVar variation 261584 (VCV000261584.50), dbSNP rs541077303, ClinGen allele CA3577416.